The following is an entry in ClinVar:

NM_004415.4(DSP):c.8111dup (p.Lys2705fs)

Gene: DSP (desmoplakin; plus strand). Cytogenetic location: 6p24.3.
Variant type: Duplication.
Coding change: c.8111dup on transcript NM_004415.4 (MANE Select); coding-DNA position 8111, one base duplicated (A; older notation c.8111dupA).
Protein change: p.Lys2705fs; shifts the reading frame from lysine 2705.
Molecular consequence: frameshift variant.
Genome position (GRCh38, 1-based): chr6:7,585,373, A duplicated; the last of 3 consecutive A bases (chr6:7,585,371-7,585,373); duplicating any one gives the same sequence. VCF-style (leftmost placement, unchanged base first): chr6-7585370-G-GA. GRCh37 (hg19) VCF-style: chr6-7585603-G-GA.
Other names: c.6314dup, p.Lys2106fs (NM_001008844.3); c.6782dup, p.Lys2262fs (NM_001319034.2); short protein forms K2106fs, K2262fs, K2705fs.
Identifiers: ClinVar variation 3757322 (VCV003757322.2).

ClinVar aggregate classification (germline): Pathogenic (1 of 4 stars; one submission).

Conditions:
Arrhythmogenic right ventricular dysplasia 8 (ARVD8). Also called: Arrhythmogenic Right Ventricular Dysplasia/Cardiomyopathy 8; ARRHYTHMOGENIC RIGHT VENTRICULAR DYSPLASIA, FAMILIAL, 8; ARRHYTHMOGENIC RIGHT VENTRICULAR CARDIOMYOPATHY 8. Identifiers: MedGen C1843896, MONDO:0011831, OMIM 607450.
Arrhythmogenic cardiomyopathy with wooly hair and keratoderma. Also called: PALMOPLANTAR KERATODERMA WITH LEFT VENTRICULAR CARDIOMYOPATHY AND WOOLLY HAIR; Carvajal syndrome; Dilated cardiomyopathy with woolly hair and keratoderma; Arrhythmogenic cardiomyopathy with woolly hair and keratoderma. Identifiers: Orphanet 65282, MedGen C1854063, MONDO:0011581, OMIM 605676.

Submission:

Labcorp Genetics (formerly Invitae), Labcorp
Classification: Pathogenic for Arrhythmogenic cardiomyopathy with wooly hair and keratoderma; Arrhythmogenic right ventricular dysplasia 8. Last evaluated: 2024-07-21. Review status: criteria provided, single submitter. Criteria: Invitae Variant Classification Sherloc (09022015). Collection method: clinical testing. Allele origin: germline.
Comment: This sequence change creates a premature translational stop signal (p.Lys2705Glufs*17) in the DSP gene. While this is not anticipated to result in nonsense mediated decay, it is expected to disrupt the last 167 amino acid(s) of the DSP protein. This variant is not present in population databases (gnomAD no frequency). This variant has not been reported in the literature in individuals affected with DSP-related conditions. This variant disrupts a region of the DSP protein in which other variant(s) (p.Gln2730Serfs*16) have been determined to be pathogenic (PMID: 28527814; Invitae). This suggests that this is a clinically significant region of the protein, and that variants that disrupt it are likely to be disease-causing. For these reasons, this variant has been classified as Pathogenic.

Literature cited by the submitters: PubMed 28527814.